The following is an entry in ClinVar:

NM_005677.4(COLQ):c.718G>T (p.Gly240Ter)

Gene: COLQ (collagen like tail subunit of asymmetric acetylcholinesterase; minus strand). Cytogenetic location: 3p25.1.
Variant type: single nucleotide variant.
Coding change: c.718G>T on transcript NM_005677.4 (MANE Select); coding-DNA position 718, G replaced by T.
Protein change: p.Gly240Ter; replaces glycine 240 with a stop codon.
Molecular consequence: nonsense.
Genome position (GRCh38, 1-based): chr3:15,466,437, C>A on the plus strand (G>T on the coding strand, the complement: COLQ is on the minus strand). VCF-style: chr3-15466437-C-A. GRCh37 (hg19) VCF-style: chr3-15507944-C-A.
Other names: c.688G>T, p.Gly230Ter (NM_080538.2); c.616G>T, p.Gly206Ter (NM_080539.4); short protein forms G240*, G230*, G206*.
Identifiers: ClinVar variation 6657 (VCV000006657.5), dbSNP rs104893735, ClinGen allele CA118398.

ClinVar aggregate classification (germline): Pathogenic. Review status: criteria provided, single submitter (1 of 4 stars). 2 submissions from 2 submitters: Pathogenic (1). 1 of the submissions does not count toward it. Last evaluated 2025-11-10.

Conditions:
Congenital myasthenic syndrome 5. Identifiers: Orphanet 590, MedGen C1864233, MONDO:0011281, OMIM 603034.

Allele frequency attached by ClinVar (database versions not stated): gnomAD exomes below 0.00001; ExAC 0.00001.
gnomAD v4.1: 1 of 1,612,308 alleles (0.000062%); no homozygotes.

Submissions (2):

Labcorp Genetics (formerly Invitae), Labcorp
Classification: Pathogenic for Congenital myasthenic syndrome 5. Last evaluated: 2025-11-10. Review status: criteria provided, single submitter. Criteria: Invitae Variant Classification Sherloc (09022015). Collection method: clinical testing. Allele origin: germline.
Comment: This sequence change creates a premature translational stop signal (p.Gly240*) in the COLQ gene. It is expected to result in an absent or disrupted protein product. Loss-of-function variants in COLQ are known to be pathogenic (PMID: 22678886). This variant is present in population databases (rs104893735, gnomAD no frequency). This premature translational stop signal has been observed in individual(s) with congenital myasthenic syndrome (PMID: 11865139, 28024842). ClinVar contains an entry for this variant (Variation ID: 6657). For these reasons, this variant has been classified as Pathogenic.

OMIM
Classification: Pathogenic for MYASTHENIC SYNDROME, CONGENITAL, 5. Last evaluated: 2002-02-26. Review status: no assertion criteria provided. Collection method: literature only. Allele origin: germline. Not counted in ClinVar's aggregate classification.

Literature cited by the submitters: PubMed 22678886 (cited by Labcorp Genetics (formerly Invitae), Labcorp); PubMed 11865139 (cited by Labcorp Genetics (formerly Invitae), Labcorp and OMIM); PubMed 28024842 (cited by Labcorp Genetics (formerly Invitae), Labcorp).